The following is an entry in ClinVar:

ClinVar aggregate classification (germline): Uncertain significance. Review status: criteria provided, multiple submitters, no conflicts (2 of 4 stars). 2 submissions from 2 submitters: Uncertain significance (2). Last evaluated 2025-02-28.

Conditions:
Neurofibromatosis, type 1 (NF1). Also called: Peripheral type neurofibromatosis; VON RECKLINGHAUSEN DISEASE; NEUROFIBROMATOSIS, TYPE I, SOMATIC; Neurofibromatosis, type I. Identifiers: Orphanet 636, MedGen C0027831, MONDO:0018975, OMIM 162200. Disease mechanism: loss of function.
Cardiovascular phenotype. Identifiers: MedGen CN230736.
Hereditary cancer-predisposing syndrome. Also called: Neoplastic Syndromes, Hereditary; Tumor predisposition; Hereditary neoplastic syndrome; Hereditary Cancer Syndrome. Identifiers: Orphanet 140162, MedGen C0027672, MeSH D009386, MONDO:0015356.

Allele frequency attached by ClinVar (database versions not stated): gnomAD exomes below 0.00001.
gnomAD v4.1: 2 of 1,614,042 alleles (0.00012%); highest among the groups gnomAD compares: South Asian, 0.0022%; no homozygotes.

Submissions (2):

Labcorp Genetics (formerly Invitae), Labcorp
Classification: Uncertain significance for Neurofibromatosis, type 1. Last evaluated: 2025-02-28. Review status: criteria provided, single submitter. Criteria: Invitae Variant Classification Sherloc (09022015). Collection method: clinical testing. Allele origin: germline.
Comment: This sequence change replaces glutamic acid, which is acidic and polar, with lysine, which is basic and polar, at codon 2776 of the NF1 protein (p.Glu2776Lys). This variant is present in population databases (no rsID available, gnomAD 0.006%). This variant has not been reported in the literature in individuals affected with NF1-related conditions. ClinVar contains an entry for this variant (Variation ID: 1762941). Invitae Evidence Modeling of protein sequence and biophysical properties (such as structural, functional, and spatial information, amino acid conservation, physicochemical variation, residue mobility, and thermodynamic stability) indicates that this missense variant is expected to disrupt NF1 protein function with a positive predictive value of 80%. In summary, the available evidence is currently insufficient to determine the role of this variant in disease. Therefore, it has been classified as a Variant of Uncertain Significance.

Ambry Genetics
Classification: Uncertain significance for Cardiovascular phenotype; Hereditary cancer-predisposing syndrome. Last evaluated: 2024-08-26. Review status: criteria provided, single submitter. Criteria: Ambry Variant Classification Scheme 2023. Collection method: clinical testing. Allele origin: germline.
Comment: The p.E2776K variant (also known as c.8326G>A), located in coding exon 57 of the NF1 gene, results from a G to A substitution at nucleotide position 8326. The glutamic acid at codon 2776 is replaced by lysine, an amino acid with similar properties. This amino acid position is highly conserved in available vertebrate species. In addition, the in silico prediction for this alteration is inconclusive. Based on the available evidence, the clinical significance of this variant remains unclear.

NM_001042492.3(NF1):c.8389G>A (p.Glu2797Lys)

Gene: NF1 (neurofibromin 1; plus strand). Cytogenetic location: 17q11.2.
Variant type: single nucleotide variant.
Coding change: c.8389G>A on transcript NM_001042492.3 (MANE Select); coding-DNA position 8389, G replaced by A.
Protein change: p.Glu2797Lys; replaces glutamic acid 2797 with lysine.
Molecular consequence: missense variant.
Genome position (GRCh38, 1-based): chr17:31,374,024, G>A. VCF-style: chr17-31374024-G-A. GRCh37 (hg19) VCF-style: chr17-29701042-G-A.
Other names: c.8326G>A, p.Glu2776Lys (NM_000267.4); short protein forms E2797K, E2776K.
Identifiers: ClinVar variation 1762941 (VCV001762941.4), dbSNP rs1567634460, ClinGen allele CA399205870.